The following is an entry in ClinVar:

NM_001064.4(TKT):c.575C>T (p.Pro192Leu)

Gene: TKT (transketolase; minus strand). Cytogenetic location: 3p21.1.
Variant type: single nucleotide variant.
Coding change: c.575C>T on transcript NM_001064.4 (MANE Select); coding-DNA position 575, C replaced by T.
Protein change: p.Pro192Leu; replaces proline 192 with leucine.
Molecular consequence: missense variant. On other transcripts: non-coding transcript variant (1).
Genome position (GRCh38, 1-based): chr3:53,235,037, G>A on the plus strand (C>T on the coding strand, the complement: TKT is on the minus strand). VCF-style: chr3-53235037-G-A. GRCh37 (hg19) VCF-style: chr3-53269053-G-A.
Other names: c.575C>T, p.Pro192Leu (NM_001135055.3); c.599C>T, p.Pro200Leu (NM_001258028.2); short protein forms P192L, P200L.
Identifiers: ClinVar variation 1312183 (VCV001312183.2), dbSNP rs549160877, ClinGen allele CA2452839.

ClinVar aggregate classification (germline): Uncertain significance (1 of 4 stars; one submission).

Allele frequency attached by ClinVar (database versions not stated): TOPMed 0.00005; gnomAD exomes 0.00007 and 0.00008; ExAC 0.00009; 1000 Genomes Project 30x 0.00047; 1000 Genomes Project 0.00060.
gnomAD v4.1: 126 of 1,613,910 alleles (0.0078%); highest among the groups gnomAD compares: South Asian, 0.026%; 1 homozygote.

Submission:

GeneDx
Classification: Uncertain significance. Last evaluated: 2019-09-06. Review status: criteria provided, single submitter. Criteria: GeneDx Variant Classification Process June 2021. Collection method: clinical testing. Allele origin: germline. Affected: yes.
Comment: In silico analysis, which includes protein predictors and evolutionary conservation, supports a deleterious effect; Has not been previously published as pathogenic or benign to our knowledge